The following is an entry in ClinVar:

NM_032271.3(TRAF7):c.1614C>A (p.Tyr538Ter)

Gene: TRAF7 (TNF receptor associated factor 7; plus strand). Cytogenetic location: 16p13.3.
Variant type: single nucleotide variant.
Coding change: c.1614C>A on transcript NM_032271.3 (MANE Select); coding-DNA position 1614, C replaced by A.
Protein change: p.Tyr538Ter; replaces tyrosine 538 with a stop codon.
Molecular consequence: nonsense.
Genome position (GRCh38, 1-based): chr16:2,175,610, C>A. VCF-style: chr16-2175610-C-A. GRCh37 (hg19) VCF-style: chr16-2225611-C-A.
Other names: short protein forms Y538*.
Identifiers: ClinVar variation 1311144 (VCV001311144.2), dbSNP rs2141295415, ClinGen allele CA394333644.

ClinVar aggregate classification (germline): Uncertain significance (1 of 4 stars; one submission).

Submission:

GeneDx
Classification: Uncertain significance. Last evaluated: 2019-08-30. Review status: criteria provided, single submitter. Criteria: GeneDx Variant Classification Process June 2021. Collection method: clinical testing. Allele origin: germline. Affected: yes.
Comment: Not observed in large population cohorts (Lek et al., 2016); Nonsense variant predicted to result in protein truncation or nonsense mediated decay in a gene for which loss-of-function is not a known mechanism of disease; Has not been previously published as pathogenic or benign to our knowledge